The following is an entry in ClinVar:

NM_014714.4(IFT140):c.3874-8C>T

Gene: IFT140 (intraflagellar transport 140; minus strand). Cytogenetic location: 16p13.3.
Variant type: single nucleotide variant.
Coding change: c.3874-8C>T on transcript NM_014714.4 (MANE Select); 8 bases into the intron before coding-DNA position 3874, C replaced by T.
Molecular consequence: intron variant.
Genome position (GRCh38, 1-based): chr16:1,520,055, G>A on the plus strand (C>T on the coding strand, the complement: IFT140 is on the minus strand). VCF-style: chr16-1520055-G-A. GRCh37 (hg19) VCF-style: chr16-1570056-G-A.
Other names: c.3874-8C>T (NM_014714.3).
Identifiers: ClinVar variation 2697543 (VCV002697543.4), dbSNP rs377758758, ClinGen allele CA7812992.

ClinVar aggregate classification (germline): Likely benign. Review status: criteria provided, multiple submitters, no conflicts (2 of 4 stars). 2 submissions from 2 submitters: Likely benign (2). Last evaluated 2026-02-01.

Conditions:
Saldino-Mainzer syndrome (SRTD9). Also called: short-rib thoracic dysplasia 9 with or without polydactyly; CONORENAL SYNDROME; Renal dysplasia, retinal pigmentary dystrophy, cerebellar ataxia and skeletal dysplasia; SHORT-RIB THORACIC DYSPLASIA 9 WITHOUT POLYDACTYLY. Identifiers: Orphanet 140969, MedGen C1849437, MONDO:0009964, OMIM 266920.
IFT140-related disorder. Also called: IFT140-related condition.

Allele frequency attached by ClinVar (database versions not stated): ExAC 0.00001; gnomAD 0.00001; TOPMed 0.00001; ESP Exome Variant Server 0.00008.
gnomAD v4.1: 2 of 1,605,354 alleles (0.00012%); highest among the groups gnomAD compares: African/African-American, 0.0013%; no homozygotes.

Submissions (2):

Labcorp Genetics (formerly Invitae), Labcorp
Classification: Likely benign for Saldino-Mainzer syndrome. Last evaluated: 2026-02-01. Review status: criteria provided, single submitter. Criteria: Invitae Variant Classification Sherloc (09022015). Collection method: clinical testing. Allele origin: germline.

PreventionGenetics, part of Exact Sciences
Classification: Likely benign for IFT140-related condition. Last evaluated: 2025-10-20. Review status: criteria provided, single submitter. Criteria: ACMG Guidelines, 2015. Collection method: clinical testing. Allele origin: germline.
Comment: This variant is classified as likely benign based on ACMG/AMP sequence variant interpretation guidelines (Richards et al. 2015 PMID: 25741868, with internal and published modifications).